The following is an entry in ClinVar:

ClinVar aggregate classification (germline): Uncertain significance (1 of 4 stars; one submission).

Submission:

Labcorp Genetics (formerly Invitae), Labcorp
Classification: Uncertain significance. Last evaluated: 2026-01-25. Review status: criteria provided, single submitter. Criteria: Invitae Variant Classification Sherloc (09022015). Collection method: clinical testing. Allele origin: germline.
Comment: This sequence change replaces threonine, which is neutral and polar, with alanine, which is neutral and non-polar, at codon 329 of the ATIC protein (p.Thr329Ala). This variant is present in population databases (rs372016819, gnomAD 0.06%). This variant has not been reported in the literature in individuals affected with ATIC-related conditions. Invitae Evidence Modeling of protein sequence and biophysical properties (such as structural, functional, and spatial information, amino acid conservation, physicochemical variation, residue mobility, and thermodynamic stability) indicates that this missense variant is not expected to disrupt ATIC protein function with a negative predictive value of 80%. In summary, the available evidence is currently insufficient to determine the role of this variant in disease. Therefore, it has been classified as a Variant of Uncertain Significance.

NM_004044.7(ATIC):c.985A>G (p.Thr329Ala)

Gene: ATIC (5-aminoimidazole-4-carboxamide ribonucleotide formyltransferase/IMP cyclohydrolase; plus strand). Cytogenetic location: 2q35.
Variant type: single nucleotide variant.
Coding change: c.985A>G on transcript NM_004044.7 (MANE Select); coding-DNA position 985, A replaced by G.
Protein change: p.Thr329Ala; replaces threonine 329 with alanine.
Molecular consequence: missense variant.
Genome position (GRCh38, 1-based): chr2:215,334,981, A>G. VCF-style: chr2-215334981-A-G. GRCh37 (hg19) VCF-style: chr2-216199704-A-G.
Other names: short protein forms T329A.
Identifiers: ClinVar variation 4706155 (VCV004706155.1).